The following is an entry in ClinVar:

NM_006231.4(POLE):c.3176G>T (p.Arg1059Leu)

Gene: POLE (DNA polymerase epsilon, catalytic subunit; minus strand). Cytogenetic location: 12q24.33.
Variant type: single nucleotide variant.
Coding change: c.3176G>T on transcript NM_006231.4 (MANE Select); coding-DNA position 3176, G replaced by T.
Protein change: p.Arg1059Leu; replaces arginine 1059 with leucine.
Molecular consequence: missense variant.
Genome position (GRCh38, 1-based): chr12:132,659,394, C>A on the plus strand (G>T on the coding strand, the complement: POLE is on the minus strand). VCF-style: chr12-132659394-C-A. GRCh37 (hg19) VCF-style: chr12-133235980-C-A.
Other names: c.3176G>T (NM_006231.2); short protein forms R1059L.
Identifiers: ClinVar variation 571409 (VCV000571409.9), dbSNP rs751425952, ClinGen allele CA387390762.
Genomic context (GRCh38, chr12:132,659,394, plus strand): 5'-ATGTAGCGGCAACTCAGCCCTGCATCCTTGACCATCTGGTCTCCCAGGAACTCGGCCAGG[C>A]GCTTTGCTGTGCTGATGGACGTAGACTTCTGCTCCCCGTAATCTTCCAGCTTCCGAGACA-3'
Protein context (NP_006222.2, residues 1049-1069): QKSTSISTAK[Arg1059Leu]LAEFLGDQMV

ClinVar aggregate classification (germline): Uncertain significance. Review status: criteria provided, multiple submitters, no conflicts (2 of 4 stars). 2 submissions from 2 submitters: Uncertain significance (2). Last evaluated 2025-01-14.

Conditions:
Hereditary cancer-predisposing syndrome. Also called: Hereditary neoplastic syndrome; Tumor predisposition; Neoplastic Syndromes, Hereditary; Hereditary Cancer Syndrome. Identifiers: Orphanet 140162, MedGen C0027672, MeSH D009386, MONDO:0015356.

Allele frequency attached by ClinVar (database versions not stated): TOPMed 0.00001.
gnomAD v4.1: 1 of 1,614,100 alleles (0.000062%); highest among the groups gnomAD compares: African/African-American, 0.0013%; no homozygotes.

Submissions (2):

Ambry Genetics
Classification: Uncertain significance for Hereditary cancer-predisposing syndrome. Last evaluated: 2025-01-14. Review status: criteria provided, single submitter. Criteria: Ambry Variant Classification Scheme 2023. Collection method: clinical testing. Allele origin: germline.
Comment: The p.R1059L variant (also known as c.3176G>T), located in coding exon 26 of the POLE gene, results from a G to T substitution at nucleotide position 3176. The arginine at codon 1059 is replaced by leucine, an amino acid with dissimilar properties. This amino acid position is highly conserved in available vertebrate species. In addition, this alteration is predicted to be deleterious by in silico analysis. Based on the available evidence, the clinical significance of this variant remains unclear.

Labcorp Genetics (formerly Invitae), Labcorp
Classification: Uncertain significance. Last evaluated: 2021-04-26. Review status: criteria provided, single submitter. Criteria: Invitae Variant Classification Sherloc (09022015). Collection method: clinical testing. Allele origin: germline.
Comment: In summary, the available evidence is currently insufficient to determine the role of this variant in disease. Therefore, it has been classified as a Variant of Uncertain Significance. Algorithms developed to predict the effect of missense changes on protein structure and function (SIFT, PolyPhen-2, Align-GVGD) all suggest that this variant is likely to be disruptive, but these predictions have not been confirmed by published functional studies and their clinical significance is uncertain. This variant has not been reported in the literature in individuals with POLE-related disease. This variant is not present in population databases (ExAC no frequency). This sequence change replaces arginine with leucine at codon 1059 of the POLE protein (p.Arg1059Leu). The arginine residue is highly conserved and there is a moderate physicochemical difference between arginine and leucine.